The following is an entry in ClinVar:

NM_003489.4(NRIP1):c.1450C>G (p.Gln484Glu)

Gene: NRIP1 (nuclear receptor interacting protein 1; minus strand). Cytogenetic location: 21q11.2.
Variant type: single nucleotide variant.
Coding change: c.1450C>G on transcript NM_003489.4 (MANE Select); coding-DNA position 1450, C replaced by G.
Protein change: p.Gln484Glu; replaces glutamine 484 with glutamic acid.
Molecular consequence: missense variant.
Genome position (GRCh38, 1-based): chr21:14,966,743, G>C on the plus strand (C>G on the coding strand, the complement: NRIP1 is on the minus strand). VCF-style: chr21-14966743-G-C. GRCh37 (hg19) VCF-style: chr21-16339064-G-C.
Other names: c.1450C>G, p.Gln484Glu (NM_001439275.1, NM_001439276.1, NM_001439277.1 and 10 more transcripts); short protein forms Q484E.
Identifiers: ClinVar variation 4704927 (VCV004704927.1).

ClinVar aggregate classification (germline): Uncertain significance (1 of 4 stars; one submission).

gnomAD v4.1: 1 of 1,614,024 alleles (0.000062%); highest among the groups gnomAD compares: Non-Finnish European, 0.000085%; no homozygotes.

Submission:

Labcorp Genetics (formerly Invitae), Labcorp
Classification: Uncertain significance. Last evaluated: 2025-07-01. Review status: criteria provided, single submitter. Criteria: Invitae Variant Classification Sherloc (09022015). Collection method: clinical testing. Allele origin: germline.
Comment: This sequence change replaces glutamine, which is neutral and polar, with glutamic acid, which is acidic and polar, at codon 484 of the NRIP1 protein (p.Gln484Glu). This variant is not present in population databases (gnomAD no frequency). This variant has not been reported in the literature in individuals affected with NRIP1-related conditions. An algorithm developed to predict the effect of missense changes on protein structure and function (PolyPhen-2) suggests that this variant is likely to be tolerated. In summary, the available evidence is currently insufficient to determine the role of this variant in disease. Therefore, it has been classified as a Variant of Uncertain Significance.